The following is an entry in ClinVar:

NM_181552.4(CUX1):c.1644C>T (p.Gly548=)

Gene: CUX1 (cut like homeobox 1; plus strand). Cytogenetic location: 7q22.1.
Variant type: single nucleotide variant.
Coding change: c.1644C>T on transcript NM_181552.4 (MANE Select); coding-DNA position 1644, C replaced by T.
Protein change: p.Gly548=; no amino-acid change (glycine 548 retained).
Molecular consequence: synonymous variant. On other transcripts: intron variant (5).
Genome position (GRCh38, 1-based): chr7:102,197,055, C>T. VCF-style: chr7-102197055-C-T. GRCh37 (hg19) VCF-style: chr7-101840335-C-T.
Other names: NC_000007.13:g.101840335C>T; c.1677C>T, p.Gly559= (NM_001202543.2); c.1255+1452C>T (NM_001913.5); c.1249+1452C>T (NM_181500.4); c.1117+1452C>T (NM_001202545.3); c.1207+1452C>T (NM_001202544.3); c.1138+1452C>T (NM_001202546.3).
Identifiers: ClinVar variation 3058439 (VCV003058439.3), dbSNP rs114193404, ClinGen allele CA4410879.
Genomic context (GRCh38, chr7:102,197,055, plus strand): 5'-TGTCAATGGCATGGCCCCATCCCCCAGCCAGTCAGAAAGTGCTGGGAGCGTCTCCGAGGG[C>T]GAGGAGATGGACACTGCAGAAATCGCCCGGCAGGTCAAAGAGCAGCTGATTAAGCACAAT-3'
Protein context (NP_853530.2, residues 538-558): QSESAGSVSE[Gly548=]EEMDTAEIAR

ClinVar aggregate classification (germline): Likely benign (0 of 4 stars; one submission).

Conditions:
CUX1-related disorder. Also called: CUX1-related condition.

Allele frequency attached by ClinVar (database versions not stated): gnomAD exomes 0.00012; ExAC 0.00036; 1000 Genomes Project 30x 0.00047; 1000 Genomes Project 0.00060; ESP Exome Variant Server 0.00123; gnomAD 0.00131; TOPMed 0.00156.
gnomAD v4.1: 375 of 1,614,170 alleles (0.023%); highest among the groups gnomAD compares: African/African-American, 0.47%; 4 homozygotes.

Submissions (2):

PreventionGenetics, part of Exact Sciences
Classification: Likely benign for CUX1-related condition. Last evaluated: 2021-08-31. Review status: no assertion criteria provided. Collection method: clinical testing. Allele origin: germline.
Comment: This variant is classified as likely benign based on ACMG/AMP sequence variant interpretation guidelines (Richards et al. 2015 PMID: 25741868, with internal and published modifications).

Dr. Peter K. Rogan Lab, Western University
No classification provided (evidence only). Condition: Familial cancer of breast. Review status: no classification provided. Collection method: in vitro. Allele origin: not applicable. Functional consequence: retained intron. Not counted in ClinVar's aggregate classification.